The following is an entry in ClinVar:

ClinVar aggregate classification (germline): Likely pathogenic. Review status: criteria provided, multiple submitters, no conflicts (2 of 4 stars). 2 submissions from 2 submitters: Likely pathogenic (2). Last evaluated 2025-07-25.

Conditions:
Tyrosinemia type I (TYRSN1). Also called: FAH DEFICIENCY; Tyrosinemia type 1; Fumarylacetoacetase deficiency; Deficiency of fumarylacetoacetase; HEPATORENAL TYROSINEMIA. Identifiers: Orphanet 882, MedGen C0268490, MONDO:0010161, OMIM 276700. Disease mechanism: loss of function.

Submissions (2):

Natera, Inc.
Classification: Likely pathogenic for Tyrosinemia type I. Last evaluated: 2025-07-25. Review status: criteria provided, single submitter. Criteria: Natera Variant Classification Schema (03/2026). Collection method: clinical testing. Allele origin: germline.
Comment: The c.1195dup variant in FAH is a frameshift variant predicted to elongate the protein beyond the termination codon. This variant is expected to result in nonsense mediated decay, truncation, or a dysfunctional protein product. This variant is rare in the general population with a frequency below the threshold expected for the associated phenotype(s). Given the available evidence, this variant is classified as Likely Pathogenic.

Fulgent Genetics
Classification: Likely pathogenic for Tyrosinemia type I. Last evaluated: 2024-02-27. Review status: criteria provided, single submitter. Criteria: ACMG Guidelines, 2015. Collection method: clinical testing. Allele origin: germline.

NM_000137.4(FAH):c.1195dup (p.Asp399fs)

Gene: FAH (fumarylacetoacetate hydrolase; plus strand). Cytogenetic location: 15q25.1.
Variant type: Duplication.
Coding change: c.1195dup on transcript NM_000137.4 (MANE Select); coding-DNA position 1195, one base duplicated (G; older notation c.1195dupG).
Protein change: p.Asp399fs; shifts the reading frame from aspartic acid 399.
Molecular consequence: frameshift variant.
Genome position (GRCh38, 1-based): chr15:80,186,144, G duplicated; the last of 5 consecutive G bases (chr15:80,186,140-80,186,144); duplicating any one gives the same sequence. VCF-style (leftmost placement, unchanged base first): chr15-80186139-A-AG. GRCh37 (hg19) VCF-style: chr15-80478481-A-AG.
Other names: c.1195dup, p.Asp399fs (NM_001374377.1, NM_001374380.1); c.1195dup (NM_000137.2); short protein forms D399fs.
Identifiers: ClinVar variation 3577803 (VCV003577803.3).